The following is an entry in ClinVar:

ClinVar aggregate classification (germline): Uncertain significance. Review status: criteria provided, multiple submitters, no conflicts (2 of 4 stars). 2 submissions from 2 submitters: Uncertain significance (2). Last evaluated 2023-04-11.

Conditions:
SALL4-Related Disorders. Also called: SALL4-related condition; SALL4-related disorder. Identifiers: MedGen CN381056.

Submissions (2):

Daryl Scott Lab, Baylor College of Medicine
Classification: Uncertain significance for SALL4-related disorder. Last evaluated: 2023-04-11. Review status: criteria provided, single submitter. Criteria: ACMG Guidelines, 2015. Collection method: clinical testing. Allele origin: maternal. Affected: yes.

GeneDx
Classification: Uncertain significance. Last evaluated: 2022-12-08. Review status: criteria provided, single submitter. Criteria: GeneDx Variant Classification Process June 2021. Collection method: clinical testing. Allele origin: germline. Affected: yes.
Comment: Not observed at significant frequency in large population cohorts (gnomAD); In silico analysis supports that this missense variant has a deleterious effect on protein structure/function; Has not been previously published as pathogenic or benign to our knowledge

Literature cited by the submitters: PubMed 37673932 (cited by Daryl Scott Lab, Baylor College of Medicine).

NM_020436.5(SALL4):c.1693C>T (p.Pro565Ser)

Gene: SALL4 (spalt like transcription factor 4; minus strand). Cytogenetic location: 20q13.2.
Variant type: single nucleotide variant.
Coding change: c.1693C>T on transcript NM_020436.5 (MANE Select); coding-DNA position 1693, C replaced by T.
Protein change: p.Pro565Ser; replaces proline 565 with serine.
Molecular consequence: missense variant. On other transcripts: intron variant (1).
Genome position (GRCh38, 1-based): chr20:51,790,790, G>A on the plus strand (C>T on the coding strand, the complement: SALL4 is on the minus strand). VCF-style: chr20-51790790-G-A. GRCh37 (hg19) VCF-style: chr20-50407329-G-A.
Other names: c.1150+543C>T (NM_001318031.2); short protein forms P565S.
Identifiers: ClinVar variation 2498217 (VCV002498217.2), dbSNP rs2078032654, ClinGen allele CA409009471.